The following is an entry in ClinVar:

ClinVar aggregate classification (germline): Uncertain significance (1 of 4 stars; one submission).

gnomAD v4.1: 13 of 1,613,524 alleles (0.00081%); highest among the groups gnomAD compares: Admixed American, 0.0017%; no homozygotes.

Submission:

GeneDx
Classification: Uncertain significance. Last evaluated: 2024-06-18. Review status: criteria provided, single submitter. Criteria: GeneDx Variant Classification Process June 2021. Collection method: clinical testing. Allele origin: germline. Affected: yes.
Comment: Not observed at significant frequency in large population cohorts (gnomAD); In silico analysis indicates that this variant does not alter splicing; Has not been previously published as pathogenic or benign to our knowledge

NM_001854.4(COL11A1):c.2913A>G (p.Pro971=)

Gene: COL11A1 (collagen type XI alpha 1 chain; minus strand). Cytogenetic location: 1p21.1.
Variant type: single nucleotide variant.
Coding change: c.2913A>G on transcript NM_001854.4 (MANE Select); coding-DNA position 2913, A replaced by G.
Protein change: p.Pro971=; no amino-acid change (proline 971 retained).
Molecular consequence: synonymous variant. On other transcripts: non-coding transcript variant (1).
Genome position (GRCh38, 1-based): chr1:102,965,490, T>C on the plus strand (A>G on the coding strand, the complement: COL11A1 is on the minus strand). VCF-style: chr1-102965490-T-C. GRCh37 (hg19) VCF-style: chr1-103431046-T-C.
Other names: c.2796A>G, p.Pro932= (NM_001190709.2); c.2949A>G, p.Pro983= (NM_080629.3); c.2565A>G, p.Pro855= (NM_080630.4).
Identifiers: ClinVar variation 3391596 (VCV003391596.1).